The following is an entry in ClinVar:

ClinVar aggregate classification (germline): Uncertain significance. Review status: criteria provided, multiple submitters, no conflicts (2 of 4 stars). 2 submissions from 2 submitters: Uncertain significance (2). Last evaluated 2025-08-21.

Allele frequency attached by ClinVar (database versions not stated): gnomAD exomes below 0.00001; gnomAD 0.00001.
gnomAD v4.1: 5 of 1,613,532 alleles (0.00031%); highest among the groups gnomAD compares: African/African-American, 0.0013%; 1 homozygote.

Submissions (2):

Ambry Genetics
Classification: Uncertain significance. Last evaluated: 2025-08-21. Review status: criteria provided, single submitter. Criteria: Ambry Variant Classification Scheme 2023. Collection method: clinical testing. Allele origin: germline.
Comment: The p.Q422K variant (also known as c.1264C>A), located in coding exon 8 of the RNF43 gene, results from a C to A substitution at nucleotide position 1264. The glutamine at codon 422 is replaced by lysine, an amino acid with similar properties. This amino acid position is conserved. In addition, this alteration is predicted to be tolerated by in silico analysis. Based on the available evidence, the clinical significance of this variant remains unclear.

Labcorp Genetics (formerly Invitae), Labcorp
Classification: Uncertain significance. Last evaluated: 2023-06-30. Review status: criteria provided, single submitter. Criteria: Invitae Variant Classification Sherloc (09022015). Collection method: clinical testing. Allele origin: germline.
Comment: This sequence change replaces glutamine, which is neutral and polar, with lysine, which is basic and polar, at codon 422 of the RNF43 protein (p.Gln422Lys). This variant is present in population databases (no rsID available, gnomAD 0.004%). This variant has not been reported in the literature in individuals affected with RNF43-related conditions. ClinVar contains an entry for this variant (Variation ID: 1519857). An algorithm developed to predict the effect of missense changes on protein structure and function (PolyPhen-2) suggests that this variant is likely to be tolerated. In summary, the available evidence is currently insufficient to determine the role of this variant in disease. Therefore, it has been classified as a Variant of Uncertain Significance.

NM_017763.6(RNF43):c.1264C>A (p.Gln422Lys)

Gene: RNF43 (ring finger protein 43; minus strand). Cytogenetic location: 17q22.
Variant type: single nucleotide variant.
Coding change: c.1264C>A on transcript NM_017763.6 (MANE Select); coding-DNA position 1264, C replaced by A.
Protein change: p.Gln422Lys; replaces glutamine 422 with lysine.
Molecular consequence: missense variant.
Genome position (GRCh38, 1-based): chr17:58,358,512, G>T on the plus strand (C>A on the coding strand, the complement: RNF43 is on the minus strand). VCF-style: chr17-58358512-G-T. GRCh37 (hg19) VCF-style: chr17-56435873-G-T.
Other names: c.1264C>A, p.Gln422Lys (NM_001305544.3); c.883C>A, p.Gln295Lys (NM_001305545.2); c.1264C>A (NM_017763.4); short protein forms Q295K, Q422K.
Identifiers: ClinVar variation 1519857 (VCV001519857.9), dbSNP rs1168203256, ClinGen allele CA400330540.
Genomic context (GRCh38, chr17:58,358,512, plus strand): 5'-CAGGGGGCCTGGCCCGGCGTAGGGGCACTGGGCAAGCAGCAGGGTGCTGTGAGGTGGATT[G>T]GAGGTGGCTCAGTCCCCAGCCTTGTGCATAGGGGTGCTGGGCTCCTGCCAGGCGCTGCTG-3'
Protein context (NP_060233.3, residues 412-432): YAQGWGLSHL[Gln422Lys]STSQHPAACP